The following is an entry in ClinVar:

ClinVar aggregate classification (germline): Pathogenic (1 of 4 stars; one submission).

Submission:

Labcorp Genetics (formerly Invitae), Labcorp
Classification: Pathogenic. Last evaluated: 2025-12-23. Review status: criteria provided, single submitter. Criteria: Invitae Variant Classification Sherloc (09022015). Collection method: clinical testing. Allele origin: germline.
Comment: This sequence change creates a premature translational stop signal (p.Cys330*) in the LRP2 gene. It is expected to result in an absent or disrupted protein product. Loss-of-function variants in LRP2 are known to be pathogenic (PMID: 17632512, 25682901). This variant is not present in population databases (gnomAD no frequency). This variant has not been reported in the literature in individuals affected with LRP2-related conditions. For these reasons, this variant has been classified as Pathogenic.

Literature cited by the submitters: PubMed 17632512; PubMed 25682901.

NM_004525.3(LRP2):c.990T>A (p.Cys330Ter)

Gene: LRP2 (LDL receptor related protein 2; minus strand). Cytogenetic location: 2q31.1.
Variant type: single nucleotide variant.
Coding change: c.990T>A on transcript NM_004525.3 (MANE Select); coding-DNA position 990, T replaced by A.
Protein change: p.Cys330Ter; replaces cysteine 330 with a stop codon.
Molecular consequence: nonsense.
Genome position (GRCh38, 1-based): chr2:169,289,078, A>T on the plus strand (T>A on the coding strand, the complement: LRP2 is on the minus strand). VCF-style: chr2-169289078-A-T. GRCh37 (hg19) VCF-style: chr2-170145588-A-T.
Other names: short protein forms C330*.
Identifiers: ClinVar variation 4733974 (VCV004733974.1).